The following is an entry in ClinVar:

ClinVar aggregate classification (germline): Uncertain significance. Review status: criteria provided, multiple submitters, no conflicts (2 of 4 stars). 3 submissions from 3 submitters: Uncertain significance (3). Last evaluated 2025-12-27.

Conditions:
Cardiovascular phenotype. Identifiers: MedGen CN230736.
Congenital primary aphakia. Also called: ANTERIOR SEGMENT DYSGENESIS 2; Anterior segment dysgenesis 2, multiple subtypes. Identifiers: Orphanet 83461, MedGen C1853230, MONDO:0012456, OMIM 610256.
Anterior segment dysgenesis. Also called: Ocular anterior segment dysgenesis. Identifiers: Orphanet 88632, MedGen C1862839, MONDO:0019503, HP:0007700.

Allele frequency attached by ClinVar (database versions not stated): gnomAD exomes 0.00002; TOPMed 0.00006; gnomAD 0.00008 and 0.00009; 1000 Genomes Project 30x 0.00016.

Submissions (3):

Labcorp Genetics (formerly Invitae), Labcorp
Classification: Uncertain significance for Anterior segment dysgenesis; Congenital primary aphakia. Last evaluated: 2025-12-27. Review status: criteria provided, single submitter. Criteria: Invitae Variant Classification Sherloc (09022015). Collection method: clinical testing. Allele origin: germline.
Comment: This sequence change replaces glutamic acid, which is acidic and polar, with lysine, which is basic and polar, at codon 43 of the FOXE3 protein (p.Glu43Lys). This variant is present in population databases (no rsID available, gnomAD 0.01%). This variant has not been reported in the literature in individuals affected with FOXE3-related conditions. ClinVar contains an entry for this variant (Variation ID: 1407551). Invitae Evidence Modeling of protein sequence and biophysical properties (such as structural, functional, and spatial information, amino acid conservation, physicochemical variation, residue mobility, and thermodynamic stability) indicates that this missense variant is not expected to disrupt FOXE3 protein function with a negative predictive value of 80%. In summary, the available evidence is currently insufficient to determine the role of this variant in disease. Therefore, it has been classified as a Variant of Uncertain Significance.

Ambry Genetics
Classification: Uncertain significance for Cardiovascular phenotype. Last evaluated: 2023-09-07. Review status: criteria provided, single submitter. Criteria: Ambry Variant Classification Scheme 2023. Collection method: clinical testing. Allele origin: germline.
Comment: The p.E43K variant (also known as c.127G>A), located in coding exon 1 of the FOXE3 gene, results from a G to A substitution at nucleotide position 127. The glutamic acid at codon 43 is replaced by lysine, an amino acid with similar properties. This amino acid position is conserved. In addition, this alteration is predicted to be tolerated by in silico analysis. Since supporting evidence is limited at this time, the clinical significance of this alteration remains unclear.

Women's Health and Genetics/Laboratory Corporation of America, LabCorp
Classification: Uncertain significance. Last evaluated: 2023-08-24. Review status: criteria provided, single submitter. Criteria: LabCorp Variant Classification Summary - May 2015. Collection method: clinical testing. Allele origin: germline.

NM_012186.3(FOXE3):c.127G>A (p.Glu43Lys)

Genes: FOXE3 (forkhead box E3; plus strand), LINC01389 (long independently transcribed non-coding RNA 1389; minus strand). Cytogenetic location: 1p33.
Variant type: single nucleotide variant.
Coding change: c.127G>A on transcript NM_012186.3 (MANE Select); coding-DNA position 127, G replaced by A.
Protein change: p.Glu43Lys; replaces glutamic acid 43 with lysine.
Molecular consequence: missense variant.
Genome position (GRCh38, 1-based): chr1:47,416,442, G>A. VCF-style: chr1-47416442-G-A. GRCh37 (hg19) VCF-style: chr1-47882114-G-A.
Other names: short protein forms E43K.
Identifiers: ClinVar variation 1407551 (VCV001407551.12), dbSNP rs1030716081, ClinGen allele CA22068352.